The following is an entry in ClinVar:

NC_000012.11:g.(?_102140932)_(102224463_?)del

Gene: GNPTAB (N-acetylglucosamine-1-phosphate transferase subunits alpha and beta; minus strand). Cytogenetic location: 12q23.2.
Variant type: Deletion.
Identifiers: ClinVar variation 2426813 (VCV002426813.4).

ClinVar aggregate classification (germline): Pathogenic (1 of 4 stars; one submission).

Conditions:
Mucolipidosis type II. Also called: ML II ALPHA/BETA; Mucolipidosis 2; ML 2; Inclusion cell disease; Leroy Disease; N-acetylglucosamine 1phosphotransferase deficiency. Identifiers: Orphanet 576, MedGen C2673377, MONDO:0009650, OMIM 252500.
Pseudo-Hurler polydystrophy. Also called: ML III; ML III ALPHA/BETA; Type III Mucolipidosis; ML IIIA; Mucolipidosis III Alpha/Beta; MUCOLIPIDOSIS IIIA. Identifiers: Orphanet 423461, Orphanet 577, MedGen C0033788, MONDO:0018931, OMIM 252600.

Submission:

Labcorp Genetics (formerly Invitae), Labcorp
Classification: Pathogenic for Pseudo-Hurler polydystrophy; Mucolipidosis type II. Last evaluated: 2022-09-10. Review status: criteria provided, single submitter. Criteria: Invitae Variant Classification Sherloc (09022015). Collection method: clinical testing. Allele origin: germline.
Comment: For these reasons, this variant has been classified as Pathogenic. This variant has not been reported in the literature in individuals affected with GNPTAB-related conditions. A gross deletion of the genomic region encompassing the full coding sequence of the GNPTAB gene has been identified. Loss-of-function variants in GNPTAB are known to be pathogenic (PMID: 19617216, 25107912). The boundaries of this event are unknown as they extend beyond the assayed region for this gene and therefore may encompass additional genes.

Literature cited by the submitters: PubMed 19617216; PubMed 25107912.